The following is an entry in ClinVar:

NM_002386.4(MC1R):c.908A>G (p.Gln303Arg)

Gene: MC1R (melanocortin 1 receptor; plus strand). Cytogenetic location: 16q24.3.
Variant type: single nucleotide variant.
Coding change: c.908A>G on transcript NM_002386.4 (MANE Select); coding-DNA position 908, A replaced by G.
Protein change: p.Gln303Arg; replaces glutamine 303 with arginine.
Molecular consequence: missense variant.
Genome position (GRCh38, 1-based): chr16:89,920,166, A>G. VCF-style: chr16-89920166-A-G. GRCh37 (hg19) VCF-style: chr16-89986574-A-G.
Other names: short protein forms Q303R.
Identifiers: ClinVar variation 4824146 (VCV004824146.1).

ClinVar aggregate classification (germline): Uncertain significance (1 of 4 stars; one submission).

gnomAD v4.1: 2 of 1,614,038 alleles (0.00012%); highest among the groups gnomAD compares: African/African-American, 0.0013%; no homozygotes.

Submission:

Ambry Genetics
Classification: Uncertain significance. Last evaluated: 2026-01-15. Review status: criteria provided, single submitter. Criteria: Ambry Variant Classification Scheme 2023. Collection method: clinical testing. Allele origin: germline.
Comment: The p.Q303R variant (also known as c.908A>G), located in coding exon 1 of the MC1R gene, results from an A to G substitution at nucleotide position 908. The glutamine at codon 303 is replaced by arginine, an amino acid with highly similar properties. This amino acid position is conserved. In addition, this alteration is predicted to be tolerated by in silico analysis. Based on the available evidence, the clinical significance of this variant remains unclear.